The following is an entry in ClinVar:

NM_030973.4(MED25):c.1006C>T (p.Pro336Ser)

Gene: MED25 (mediator complex subunit 25; plus strand). Cytogenetic location: 19q13.33.
Variant type: single nucleotide variant.
Coding change: c.1006C>T on transcript NM_030973.4 (MANE Select); coding-DNA position 1006, C replaced by T.
Protein change: p.Pro336Ser; replaces proline 336 with serine.
Molecular consequence: missense variant.
Genome position (GRCh38, 1-based): chr19:49,830,792, C>T. VCF-style: chr19-49830792-C-T. GRCh37 (hg19) VCF-style: chr19-50334049-C-T.
Other names: c.1006C>T, p.Pro336Ser (NM_001378355.1); short protein forms P336S.
Identifiers: ClinVar variation 968791 (VCV000968791.7), dbSNP rs780177056, ClinGen allele CA9585110.

ClinVar aggregate classification (germline): Uncertain significance (1 of 4 stars; one submission).

Conditions:
Charcot-Marie-Tooth disease type 2. Also called: Charcot-Marie-Tooth type 2. Identifiers: Orphanet 64746, MedGen C0270914, MONDO:0018993.

Allele frequency attached by ClinVar (database versions not stated): gnomAD exomes 0.00001; gnomAD 0.00001; TOPMed 0.00001; ExAC 0.00001.

Submission:

Labcorp Genetics (formerly Invitae), Labcorp
Classification: Uncertain significance for Charcot-Marie-Tooth disease type 2. Last evaluated: 2021-08-31. Review status: criteria provided, single submitter. Criteria: Invitae Variant Classification Sherloc (09022015). Collection method: clinical testing. Allele origin: germline.
Comment: This sequence change replaces proline with serine at codon 336 of the MED25 protein (p.Pro336Ser). The proline residue is moderately conserved and there is a moderate physicochemical difference between proline and serine. This variant is present in population databases (rs780177056, ExAC 0.002%). This variant has not been reported in the literature in individuals affected with MED25-related conditions. Algorithms developed to predict the effect of missense changes on protein structure and function output the following: SIFT: "Tolerated"; PolyPhen-2: "Possibly Damaging"; Align-GVGD: "Class C0". The serine amino acid residue is found in multiple mammalian species, which suggests that this missense change does not adversely affect protein function. In summary, the available evidence is currently insufficient to determine the role of this variant in disease. Therefore, it has been classified as a Variant of Uncertain Significance.